The following is an entry in ClinVar:

ClinVar aggregate classification (germline): Likely pathogenic (1 of 4 stars; one submission).

gnomAD v4.1: 4 of 1,584,974 alleles (0.00025%); highest among the groups gnomAD compares: Non-Finnish European, 0.00034%; no homozygotes.

Submission:

Labcorp Genetics (formerly Invitae), Labcorp
Classification: Likely pathogenic. Last evaluated: 2024-02-14. Review status: criteria provided, single submitter. Criteria: Invitae Variant Classification Sherloc (09022015). Collection method: clinical testing. Allele origin: germline.
Comment: This sequence change affects an acceptor splice site in intron 5 of the SLC12A1 gene. It is expected to disrupt RNA splicing. Variants that disrupt the donor or acceptor splice site typically lead to a loss of protein function (PMID: 16199547), and loss-of-function variants in SLC12A1 are known to be pathogenic (PMID: 8640224, 9585600, 19096086). The frequency data for this variant in the population databases is considered unreliable, as metrics indicate poor data quality at this position in the gnomAD database. This variant has not been reported in the literature in individuals affected with SLC12A1-related conditions. Algorithms developed to predict the effect of sequence changes on RNA splicing suggest that this variant may disrupt the consensus splice site. In summary, the currently available evidence indicates that the variant is pathogenic, but additional data are needed to prove that conclusively. Therefore, this variant has been classified as Likely Pathogenic.

Literature cited by the submitters: PubMed 16199547; PubMed 8640224; PubMed 9585600; PubMed 19096086.

NM_000338.3(SLC12A1):c.725-1G>A

Gene: SLC12A1 (solute carrier family 12 member 1; plus strand). Cytogenetic location: 15q21.1.
Variant type: single nucleotide variant.
Coding change: c.725-1G>A on transcript NM_000338.3 (MANE Select); the canonical splice acceptor site of the intron before coding-DNA position 725, G replaced by A.
Molecular consequence: splice acceptor variant.
Genome position (GRCh38, 1-based): chr15:48,229,188, G>A. VCF-style: chr15-48229188-G-A. GRCh37 (hg19) VCF-style: chr15-48521385-G-A.
Other names: c.725-1G>A (NM_001384136.1, NM_001184832.2).
Identifiers: ClinVar variation 3689152 (VCV003689152.2).